The following is an entry in ClinVar:

ClinVar aggregate classification (germline): Pathogenic. Review status: reviewed by expert panel (3 of 4 stars). 7 submissions from 7 submitters: Pathogenic (1). 6 of the submissions do not count toward it. Last evaluated 2016-09-08.

Conditions:
Hereditary cancer-predisposing syndrome. Also called: Tumor predisposition; Hereditary neoplastic syndrome; Hereditary Cancer Syndrome; Neoplastic Syndromes, Hereditary. Identifiers: Orphanet 140162, MedGen C0027672, MeSH D009386, MONDO:0015356.
Hereditary breast ovarian cancer syndrome. Also called: Hereditary breast and/or ovarian cancer syndrome; Breast and ovarian cancer; Hereditary breast and ovarian cancer syndrome; Hereditary breast and ovarian cancer; Hereditary breast and ovarian cancer syndrome (HBOC); BRCA1- and BRCA2-Associated Hereditary Breast and Ovarian Cancer. Identifiers: Orphanet 145, MedGen C0677776, MeSH D061325, MONDO:0003582. Disease mechanism: loss of function.
Breast-ovarian cancer, familial, susceptibility to, 1 (BROVCA1). Also called: BRCA1 Hereditary Breast and Ovarian Cancer; OVARIAN CANCER, SUSCEPTIBILITY TO. Identifiers: Orphanet 145, MedGen C2676676, MONDO:0011450, OMIM 604370. Disease mechanism: loss of function.

Submissions (7):

Evidence-based Network for the Interpretation of Germline Mutant Alleles (ENIGMA)
Classification: Pathogenic for Breast-ovarian cancer, familial, susceptibility to, 1. Last evaluated: 2016-09-08. Review status: reviewed by expert panel. Criteria: ENIGMA BRCA1/2 Classification Criteria (2015). Collection method: curation. Allele origin: germline.
Comment: Variant allele predicted to encode a truncated non-functional protein.

Labcorp Genetics (formerly Invitae), Labcorp
Classification: Pathogenic for Hereditary breast ovarian cancer syndrome. Last evaluated: 2025-09-22. Review status: criteria provided, single submitter. Criteria: Invitae Variant Classification Sherloc (09022015). Collection method: clinical testing. Allele origin: germline. Not counted in ClinVar's aggregate classification.
Comment: This sequence change creates a premature translational stop signal (p.Gly964Thrfs*6) in the BRCA1 gene. It is expected to result in an absent or disrupted protein product. Loss-of-function variants in BRCA1 are known to be pathogenic (PMID: 20104584). This variant is not present in population databases (gnomAD no frequency). This premature translational stop signal has been observed in individual(s) with breast cancer (PMID: 35264596). ClinVar contains an entry for this variant (Variation ID: 125595). For these reasons, this variant has been classified as Pathogenic.

Women's Health and Genetics/Laboratory Corporation of America, LabCorp
Classification: Pathogenic for Hereditary breast ovarian cancer syndrome. Last evaluated: 2022-02-03. Review status: criteria provided, single submitter. Criteria: LabCorp Variant Classification Summary - May 2015. Collection method: clinical testing. Allele origin: germline. Not counted in ClinVar's aggregate classification.
Comment: Variant summary: BRCA1 c.2889_2890delTG (p.Gly964ThrfsX6) results in a premature termination codon, predicted to cause a truncation of the encoded protein or absence of the protein due to nonsense mediated decay, which are commonly known mechanisms for disease. Truncations downstream of this position have been classified as pathogenic by our laboratory. The variant was absent in 251380 control chromosomes (gnomAD). Three ClinVar submitters, including one expert panel (ENIGMA) have assessed the variant since 2014: all three classified the variant as pathogenic. Based on the evidence outlined above, the variant was classified as pathogenic.

Ambry Genetics
Classification: Pathogenic for Hereditary cancer-predisposing syndrome. Last evaluated: 2019-02-21. Review status: criteria provided, single submitter. Criteria: Ambry Variant Classification Scheme 2023. Collection method: clinical testing. Allele origin: germline. Not counted in ClinVar's aggregate classification.
Comment: The c.2889_2890delTG pathogenic mutation, located in coding exon 9 of the BRCA1 gene, results from a deletion of two nucleotides at nucleotide positions 2889 to 2890, causing a translational frameshift with a predicted alternate stop codon (p.G964Tfs*6). This alteration is expected to result in loss of function by premature protein truncation or nonsense-mediated mRNA decay. As such, this alteration is interpreted as a disease-causing mutation.

Mendelics
Classification: Pathogenic for Hereditary breast and ovarian cancer syndrome. Last evaluated: 2018-07-02. Review status: criteria provided, single submitter. Criteria: Mendelics Assertion Criteria 2017. Collection method: clinical testing. Allele origin: unknown. Not counted in ClinVar's aggregate classification.

Research Molecular Genetics Laboratory, Women's College Hospital, University of Toronto
Classification: Pathogenic for Hereditary breast ovarian cancer syndrome. Last evaluated: 2014-01-31. Review status: no assertion criteria provided. Collection method: research. Allele origin: germline. Affected: yes. Study: The Canadian Open Genetics Repository (COGR). Not counted in ClinVar's aggregate classification.

Breast Cancer Information Core (BIC) (BRCA1)
Classification: Pathogenic for Breast-ovarian cancer, familial 1. Last evaluated: 2002-05-29. Review status: no assertion criteria provided. Collection method: clinical testing. Allele origin: germline. Affected: yes. Observed: 1 variant allele. Not counted in ClinVar's aggregate classification.

Literature cited by the submitters: PubMed 20104584 (cited by Labcorp Genetics (formerly Invitae), Labcorp); PubMed 35264596 (cited by Labcorp Genetics (formerly Invitae), Labcorp).

NM_007294.4(BRCA1):c.2889_2890del (p.Gly964fs)

Gene: BRCA1 (BRCA1 DNA repair associated; minus strand). Cytogenetic location: 17q21.31.
Variant type: Deletion.
Coding change: c.2889_2890del on transcript NM_007294.4 (MANE Select); coding-DNA positions 2889 to 2890, 2 bases deleted (TG; older notation c.2889_2890delTG).
Protein change: p.Gly964fs; shifts the reading frame from glycine 964.
Molecular consequence: frameshift variant. On other transcripts: intron variant (137).
Genome position (GRCh38, 1-based): chr17:43,092,641-43,092,642, CA deleted on the plus strand (TG on the coding strand, the reverse complement: BRCA1 is on the minus strand). VCF-style (leftmost placement, unchanged base first): chr17-43092640-CCA-C. GRCh37 (hg19) VCF-style: chr17-41244657-CCA-C.
Other names: 3008delTG; c.2676_2677del, p.Gly893fs (NM_001407571.1, NM_001407895.1, NM_001407896.1 and 9 more transcripts); c.2889_2890del, p.Gly964fs (NM_001407581.1, NM_001407582.1, NM_001407583.1 and 30 more transcripts); c.2886_2887del, p.Gly963fs (NM_001407587.1, NM_001407590.1, NM_001407591.1 and 22 more transcripts); c.2811_2812del, p.Gly938fs (NM_001407653.1, NM_001407654.1, NM_001407655.1 and 4 more transcripts); c.2808_2809del, p.Gly937fs (NM_001407659.1, NM_001407660.1, NM_001407661.1 and 1 more transcripts); c.2763_2764del, p.Gly922fs (NM_001407670.1, NM_001407671.1, NM_001407672.1 and 11 more transcripts); c.2766_2767del, p.Gly923fs (NM_001407674.1, NM_001407675.1, NM_001407676.1 and 19 more transcripts); and 42 more; short protein forms G964fs, G917fs, G668fs, G853fs, G896fs, G897fs, G963fs, G852fs.
Identifiers: ClinVar variation 125595 (VCV000125595.12), dbSNP rs80357890, ClinGen allele CA001885.